The following is an entry in ClinVar:

NM_004795.4(KL):c.379G>A (p.Asp127Asn)

Gene: KL (klotho; plus strand). Cytogenetic location: 13q13.1.
Variant type: single nucleotide variant.
Coding change: c.379G>A on transcript NM_004795.4 (MANE Select); coding-DNA position 379, G replaced by A.
Protein change: p.Asp127Asn; replaces aspartic acid 127 with asparagine.
Molecular consequence: missense variant.
Genome position (GRCh38, 1-based): chr13:33,016,819, G>A. VCF-style: chr13-33016819-G-A. GRCh37 (hg19) VCF-style: chr13-33590957-G-A.
Other names: short protein forms D127N.
Identifiers: ClinVar variation 1402694 (VCV001402694.9), dbSNP rs959288076, ClinGen allele CA247507386.

ClinVar aggregate classification (germline): Uncertain significance (1 of 4 stars; one submission).

Submission:

Labcorp Genetics (formerly Invitae), Labcorp
Classification: Uncertain significance. Last evaluated: 2023-11-18. Review status: criteria provided, single submitter. Criteria: Invitae Variant Classification Sherloc (09022015). Collection method: clinical testing. Allele origin: germline.
Comment: This sequence change replaces aspartic acid, which is acidic and polar, with asparagine, which is neutral and polar, at codon 127 of the KL protein (p.Asp127Asn). This variant is not present in population databases (gnomAD no frequency). This variant has not been reported in the literature in individuals affected with KL-related conditions. ClinVar contains an entry for this variant (Variation ID: 1402694). Advanced modeling of protein sequence and biophysical properties (such as structural, functional, and spatial information, amino acid conservation, physicochemical variation, residue mobility, and thermodynamic stability) performed at Invitae indicates that this missense variant is not expected to disrupt KL protein function with a negative predictive value of 80%. In summary, the available evidence is currently insufficient to determine the role of this variant in disease. Therefore, it has been classified as a Variant of Uncertain Significance.